The following is an entry in ClinVar:

NM_001360016.2(G6PD):c.1006A>G (p.Thr336Ala)

Gene: G6PD (glucose-6-phosphate dehydrogenase; minus strand). Cytogenetic location: Xq28.
Variant type: single nucleotide variant.
Coding change: c.1006A>G on transcript NM_001360016.2 (MANE Select); coding-DNA position 1006, A replaced by G.
Protein change: p.Thr336Ala; replaces threonine 336 with alanine.
Molecular consequence: missense variant.
Genome position (GRCh38, 1-based): chrX:154,532,987, T>C on the plus strand (A>G on the coding strand, the complement: G6PD is on the minus strand). VCF-style: chrX-154532987-T-C. GRCh37 (hg19) VCF-style: chrX-153761202-T-C.
Other names: G6PD Torun; c.1096A>G, p.Thr366Ala (NM_000402.4); c.1006A>G, p.Thr336Ala (NM_001042351.3); short protein forms T336A, T366A.
Identifiers: ClinVar variation 1722603 (VCV001722603.2), dbSNP rs2523263701, ClinGen allele CA415234442.

ClinVar aggregate classification (germline): Likely pathogenic (1 of 4 stars; one submission).

Conditions:
Anemia, nonspherocytic hemolytic, due to G6PD deficiency (CNSHA1). Also called: Hemolytic anemia due to G6PD deficiency; Class I glucose-6-phosphate dehydrogenase deficiency; Favism, susceptibility to; ANEMIA, CONGENITAL, NONSPHEROCYTIC HEMOLYTIC, 1. Identifiers: Orphanet 466026, MedGen C2720289, MONDO:0010480, OMIM 300908.

Submission:

Dunham Lab, University of Washington
Classification: Likely pathogenic for Anemia, nonspherocytic hemolytic, due to G6PD deficiency. Last evaluated: 2022-08-12. Review status: criteria provided, single submitter. Criteria: Bayesian ACMG Guidelines, 2018. Collection method: curation. Allele origin: inherited. Affected: yes.
Comment: Variant found in hemizygous brothers with G6PD deficiency and CNSHA (PP1, PP4). Decreased activity in red blood cells (PS3). Not found in gnomAD (PM2). Post_P 0.975 (odds of pathogenicity 350.3, Prior_P 0.1).

Literature cited by the submitters: PubMed 10571945.